The following is an entry in ClinVar:

ClinVar aggregate classification (germline): Uncertain significance (1 of 4 stars; one submission).

gnomAD v4.1: 1 of 1,612,912 alleles (0.000062%); highest among the groups gnomAD compares: Admixed American, 0.0017%; no homozygotes.

Submission:

GeneDx
Classification: Uncertain significance. Last evaluated: 2024-12-18. Review status: criteria provided, single submitter. Criteria: GeneDx Variant Classification Process June 2021. Collection method: clinical testing. Allele origin: germline. Affected: yes.
Comment: Not observed at significant frequency in large population cohorts (gnomAD); In silico analysis supports that this missense variant has a deleterious effect on protein structure/function; Has not been previously published as pathogenic or benign to our knowledge

NM_052854.4(CREB3L1):c.1324C>G (p.Leu442Val)

Gene: CREB3L1 (cAMP responsive element binding protein 3 like 1; plus strand). Cytogenetic location: 11p11.2.
Variant type: single nucleotide variant.
Coding change: c.1324C>G on transcript NM_052854.4 (MANE Select); coding-DNA position 1324, C replaced by G.
Protein change: p.Leu442Val; replaces leucine 442 with valine.
Molecular consequence: missense variant. On other transcripts: non-coding transcript variant (1).
Genome position (GRCh38, 1-based): chr11:46,320,329, C>G. VCF-style: chr11-46320329-C-G. GRCh37 (hg19) VCF-style: chr11-46341880-C-G.
Other names: c.1324C>G, p.Leu442Val (NM_001425266.1); c.1318C>G, p.Leu440Val (NM_001425267.1); c.1186C>G, p.Leu396Val (NM_001425268.1); c.1060C>G, p.Leu354Val (NM_001425269.1); short protein forms L354V, L396V, L440V, L442V.
Identifiers: ClinVar variation 3906786 (VCV003906786.1).